The following is an entry in ClinVar:

ClinVar aggregate classification (germline): Likely benign (1 of 4 stars; one submission).

Conditions:
F12-related disorder. Also called: F12-related condition; F12-related disorders. Identifiers: MedGen CN239389.

gnomAD v4.1: 52 of 1,613,870 alleles (0.0032%); highest among the groups gnomAD compares: African/African-American, 0.06%; 1 homozygote.

Submission:

PreventionGenetics, part of Exact Sciences
Classification: Likely benign for F12-related condition. Last evaluated: 2026-05-10. Review status: criteria provided, single submitter. Criteria: ACMG Guidelines, 2015. Collection method: clinical testing. Allele origin: germline.
Comment: This variant is classified as likely benign based on ACMG/AMP sequence variant interpretation guidelines (Richards et al. 2015 PMID: 25741868, with internal and published modifications).

NM_000505.4(F12):c.398-10T>G

Gene: F12 (coagulation factor XII; minus strand). Cytogenetic location: 5q35.3.
Variant type: single nucleotide variant.
Coding change: c.398-10T>G on transcript NM_000505.4 (MANE Select); 10 bases into the intron before coding-DNA position 398, T replaced by G.
Molecular consequence: intron variant.
Genome position (GRCh38, 1-based): chr5:177,405,195, A>C on the plus strand (T>G on the coding strand, the complement: F12 is on the minus strand). VCF-style: chr5-177405195-A-C. GRCh37 (hg19) VCF-style: chr5-176832196-A-C.
Identifiers: ClinVar variation 4996119 (VCV004996119.1).